The following is an entry in ClinVar:

ClinVar aggregate classification (germline): Uncertain significance (1 of 4 stars; one submission).

gnomAD v4.1: 1 of 1,580,726 alleles (0.000063%); highest among the groups gnomAD compares: Non-Finnish European, 0.000086%; no homozygotes.

Submission:

Labcorp Genetics (formerly Invitae), Labcorp
Classification: Uncertain significance. Last evaluated: 2024-04-25. Review status: criteria provided, single submitter. Criteria: Invitae Variant Classification Sherloc (09022015). Collection method: clinical testing. Allele origin: germline.
Comment: This sequence change replaces valine, which is neutral and non-polar, with isoleucine, which is neutral and non-polar, at codon 1450 of the PHIP protein (p.Val1450Ile). This variant is present in population databases (no rsID available, gnomAD 0.001%). This variant has not been reported in the literature in individuals affected with PHIP-related conditions. Advanced modeling of protein sequence and biophysical properties (such as structural, functional, and spatial information, amino acid conservation, physicochemical variation, residue mobility, and thermodynamic stability) performed at Invitae indicates that this missense variant is not expected to disrupt PHIP protein function with a negative predictive value of 80%. In summary, the available evidence is currently insufficient to determine the role of this variant in disease. Therefore, it has been classified as a Variant of Uncertain Significance.

NM_017934.7(PHIP):c.4348G>A (p.Val1450Ile)

Genes: IRAK1BP1 (interleukin 1 receptor associated kinase 1 binding protein 1; plus strand), PHIP (PHIP subunit of CUL4-Ring ligase complex; minus strand). Cytogenetic location: 6q14.1.
Variant type: single nucleotide variant.
Coding change: c.4348G>A on transcript NM_017934.7 (MANE Select); coding-DNA position 4348, G replaced by A.
Protein change: p.Val1450Ile; replaces valine 1450 with isoleucine.
Molecular consequence: missense variant.
Genome position (GRCh38, 1-based): chr6:78,946,733, C>T on the plus strand (G>A on the coding strand, the complement: PHIP is on the minus strand). VCF-style: chr6-78946733-C-T. GRCh37 (hg19) VCF-style: chr6-79656450-C-T.
Other names: short protein forms V1450I.
Identifiers: ClinVar variation 3684958 (VCV003684958.2).